The following is an entry in ClinVar:

NM_016123.4(IRAK4):c.938A>C (p.Lys313Thr)

Gene: IRAK4 (interleukin 1 receptor associated kinase 4; plus strand). Cytogenetic location: 12q12.
Variant type: single nucleotide variant.
Coding change: c.938A>C on transcript NM_016123.4 (MANE Select); coding-DNA position 938, A replaced by C.
Protein change: p.Lys313Thr; replaces lysine 313 with threonine.
Molecular consequence: missense variant.
Genome position (GRCh38, 1-based): chr12:43,778,299, A>C. VCF-style: chr12-43778299-A-C. GRCh37 (hg19) VCF-style: chr12-44172102-A-C.
Other names: c.938A>C, p.Lys313Thr (NM_001114182.3, NM_001351345.2); c.566A>C, p.Lys189Thr (NM_001145256.2, NM_001145257.2, NM_001145258.2 and 5 more transcripts); c.329A>C, p.Lys110Thr (NM_001351343.2, NM_001351344.2); short protein forms K313T, K189T, K110T.
Identifiers: ClinVar variation 533522 (VCV000533522.10), dbSNP rs1555169543, ClinGen allele CA384476245.
Genomic context (GRCh38, chr12:43,778,299, plus strand): 5'-AGGGTGCAGCTAATGGCATCAATTTTCTACATGAAAATCATCATATTCATAGAGATATTA[A>C]AAGGTAAATGCTACTGTTTAAAAGTTTTTGGAAAGCTGTCTTTAAAGAATAATTTGCTGT-3'
Protein context (NP_057207.2, residues 303-323): HENHHIHRDI[Lys313Thr]SANILLDEAF

ClinVar aggregate classification (germline): Uncertain significance (1 of 4 stars; one submission).

Conditions:
Immunodeficiency 67. Also called: Immunodeficiency due to interleukin-1 receptor-associated kinase-4 deficiency. Identifiers: Orphanet 70592, MedGen C1843256, MONDO:0011888, OMIM 607676.

Allele frequency attached by ClinVar (database versions not stated): TOPMed below 0.00001; gnomAD 0.00001.
gnomAD v4.1: 1 of 1,524,324 alleles (0.000066%); highest among the groups gnomAD compares: Admixed American, 0.0017%; no homozygotes.

Submission:

Labcorp Genetics (formerly Invitae), Labcorp
Classification: Uncertain significance for Immunodeficiency 67. Last evaluated: 2022-09-01. Review status: criteria provided, single submitter. Criteria: Invitae Variant Classification Sherloc (09022015). Collection method: clinical testing. Allele origin: germline.
Comment: In summary, the available evidence is currently insufficient to determine the role of this variant in disease. Therefore, it has been classified as a Variant of Uncertain Significance. Advanced modeling of protein sequence and biophysical properties (such as structural, functional, and spatial information, amino acid conservation, physicochemical variation, residue mobility, and thermodynamic stability) performed at Invitae indicates that this missense variant is expected to disrupt IRAK4 protein function. ClinVar contains an entry for this variant (Variation ID: 533522). This variant has not been reported in the literature in individuals affected with IRAK4-related conditions. This variant is not present in population databases (gnomAD no frequency). This sequence change replaces lysine, which is basic and polar, with threonine, which is neutral and polar, at codon 313 of the IRAK4 protein (p.Lys313Thr).